The following is an entry in ClinVar:

NM_000179.3(MSH6):c.3994T>A (p.Leu1332Ile)

Gene: MSH6 (mutS homolog 6; plus strand). Cytogenetic location: 2p16.3.
Variant type: single nucleotide variant.
Coding change: c.3994T>A on transcript NM_000179.3 (MANE Select); coding-DNA position 3994, T replaced by A.
Protein change: p.Leu1332Ile; replaces leucine 1332 with isoleucine.
Molecular consequence: missense variant.
Genome position (GRCh38, 1-based): chr2:47,806,644, T>A. VCF-style: chr2-47806644-T-A. GRCh37 (hg19) VCF-style: chr2-48033783-T-A.
Other names: c.3604T>A, p.Leu1202Ile (NM_001281492.2); c.3088T>A, p.Leu1030Ile (NM_001281493.2, NM_001281494.2); short protein forms L1332I, L1030I, L1202I.
Identifiers: ClinVar variation 188224 (VCV000188224.16), dbSNP rs786204160, ClinGen allele CA015070.
Genomic context (GRCh38, chr2:47,806,644, plus strand): 5'-GTTATTCAAAAGGGACATAGAAAAGCAAGAGAATTTGAGAAGATGAATCAGTCACTACGA[T>A]TATTTCGGTAACTAACTAACTATAATGGAATTATAACTAACTGACCTTAAGTTTCAAAGA-3'
Protein context (NP_000170.1, residues 1322-1342): EFEKMNQSLR[Leu1332Ile]FREVCLASER

ClinVar aggregate classification (germline): Uncertain significance. Review status: criteria provided, multiple submitters, no conflicts (2 of 4 stars). 2 submissions from 2 submitters: Uncertain significance (2). Last evaluated 2025-12-13.

Conditions:
Hereditary nonpolyposis colorectal neoplasms. Identifiers: MedGen C0009405, MeSH D003123.
Hereditary cancer-predisposing syndrome. Also called: Neoplastic Syndromes, Hereditary; Tumor predisposition; Hereditary Cancer Syndrome; Hereditary neoplastic syndrome. Identifiers: Orphanet 140162, MedGen C0027672, MeSH D009386, MONDO:0015356.

Allele frequency attached by ClinVar (database versions not stated): TOPMed below 0.00001.
gnomAD v4.1: 1 of 1,609,878 alleles (0.000062%); no homozygotes.

Submissions (2):

Labcorp Genetics (formerly Invitae), Labcorp
Classification: Uncertain significance for Hereditary nonpolyposis colorectal neoplasms. Last evaluated: 2025-12-13. Review status: criteria provided, single submitter. Criteria: Invitae Variant Classification Sherloc (09022015). Collection method: clinical testing. Allele origin: germline.
Comment: This sequence change replaces leucine, which is neutral and non-polar, with isoleucine, which is neutral and non-polar, at codon 1332 of the MSH6 protein (p.Leu1332Ile). This variant is not present in population databases (gnomAD no frequency). This variant has not been reported in the literature in individuals affected with MSH6-related conditions. ClinVar contains an entry for this variant (Variation ID: 188224). Invitae Evidence Modeling of protein sequence and biophysical properties (such as structural, functional, and spatial information, amino acid conservation, physicochemical variation, residue mobility, and thermodynamic stability) indicates that this missense variant is not expected to disrupt MSH6 protein function with a negative predictive value of 95%. In summary, the available evidence is currently insufficient to determine the role of this variant in disease. Therefore, it has been classified as a Variant of Uncertain Significance.

Ambry Genetics
Classification: Uncertain significance for Hereditary cancer-predisposing syndrome. Last evaluated: 2024-04-11. Review status: criteria provided, single submitter. Criteria: Ambry Variant Classification Scheme 2023. Collection method: clinical testing. Allele origin: germline.
Comment: The p.L1332I variant (also known as c.3994T>A), located in coding exon 9 of the MSH6 gene, results from a T to A substitution at nucleotide position 3994. The leucine at codon 1332 is replaced by isoleucine, an amino acid with highly similar properties. This amino acid position is not well conserved in available vertebrate species. In addition, this alteration is predicted to be tolerated by in silico analysis. Since supporting evidence is limited at this time, the clinical significance of this alteration remains unclear.